The following is an entry in ClinVar:

ClinVar aggregate classification (germline): Uncertain significance (1 of 4 stars; one submission).

Conditions:
Norman-Roberts syndrome (LIS2). Also called: Lissencephaly 2 (Norman-Roberts type). Identifiers: Orphanet 89844, MedGen C0796089, MONDO:0009760, OMIM 257320.
Familial temporal lobe epilepsy 7. Identifiers: Orphanet 101046, MedGen C4225327, MONDO:0014639, OMIM 616436.

Submission:

Labcorp Genetics (formerly Invitae), Labcorp
Classification: Uncertain significance for Familial temporal lobe epilepsy 7; Norman-Roberts syndrome. Last evaluated: 2024-12-28. Review status: criteria provided, single submitter. Criteria: Invitae Variant Classification Sherloc (09022015). Collection method: clinical testing. Allele origin: germline.
Comment: This sequence change falls in intron 5 of the RELN gene. It does not directly change the encoded amino acid sequence of the RELN protein. It affects a nucleotide within the consensus splice site. This variant is not present in population databases (gnomAD no frequency). This variant has not been reported in the literature in individuals affected with RELN-related conditions. ClinVar contains an entry for this variant (Variation ID: 2924080). Variants that disrupt the consensus splice site are a relatively common cause of aberrant splicing (PMID: 17576681, 9536098). Algorithms developed to predict the effect of sequence changes on RNA splicing suggest that this variant may disrupt the consensus splice site. In summary, the available evidence is currently insufficient to determine the role of this variant in disease. Therefore, it has been classified as a Variant of Uncertain Significance.

Literature cited by the submitters: PubMed 17576681; PubMed 9536098.

NM_005045.4(RELN):c.578-3T>G

Gene: RELN (reelin; minus strand). Cytogenetic location: 7q22.1.
Variant type: single nucleotide variant.
Coding change: c.578-3T>G on transcript NM_005045.4 (MANE Select); 3 bases into the intron before coding-DNA position 578, T replaced by G.
Molecular consequence: intron variant.
Genome position (GRCh38, 1-based): chr7:103,749,507, A>C on the plus strand (T>G on the coding strand, the complement: RELN is on the minus strand). VCF-style: chr7-103749507-A-C. GRCh37 (hg19) VCF-style: chr7-103389954-A-C.
Other names: c.578-3T>G (NM_173054.3).
Identifiers: ClinVar variation 2924080 (VCV002924080.3), dbSNP rs607755, ClinGen allele CA2580770077.